The following is an entry in ClinVar:

NM_005343.4(HRAS):c.317C>G (p.Ser106Trp)

Genes: HRAS (HRas proto-oncogene, GTPase; minus strand), LRRC56 (leucine rich repeat containing 56; plus strand). Cytogenetic location: 11p15.5.
Variant type: single nucleotide variant.
Coding change: c.317C>G on transcript NM_005343.4 (MANE Select); coding-DNA position 317, C replaced by G.
Protein change: p.Ser106Trp; replaces serine 106 with tryptophan.
Molecular consequence: missense variant. On other transcripts: 5 prime UTR variant (1).
Genome position (GRCh38, 1-based): chr11:533,586, G>C on the plus strand (C>G on the coding strand, the complement: HRAS is on the minus strand). VCF-style: chr11-533586-G-C. GRCh37 (hg19) VCF-style: chr11-533586-G-C.
Other names: p.S106W:TCG>TGG; c.317C>G, p.Ser106Trp (NM_001130442.3, NM_176795.5); c.-3C>G (NM_001318054.2); short protein forms S106W.
Identifiers: ClinVar variation 180850 (VCV000180850.13), dbSNP rs730880462, ClinGen allele CA296064.

ClinVar aggregate classification (germline): Uncertain significance. Review status: criteria provided, multiple submitters, no conflicts (2 of 4 stars). 3 submissions from 3 submitters: Uncertain significance (3). Last evaluated 2024-04-25.

Conditions:
Cardiovascular phenotype. Identifiers: MedGen CN230736.
Costello syndrome (CSTLO). Also called: HRAS-Related Costello Syndrome; FACIOCUTANEOSKELETAL SYNDROME; FCS SYNDROME. Identifiers: Orphanet 3071, MedGen C0587248, MONDO:0009026, OMIM 218040.

gnomAD v4.1: 4 of 1,613,858 alleles (0.00025%); highest among the groups gnomAD compares: Non-Finnish European, 0.00034%; no homozygotes.

Submissions (3):

Labcorp Genetics (formerly Invitae), Labcorp
Classification: Uncertain significance for Costello syndrome. Last evaluated: 2024-04-25. Review status: criteria provided, single submitter. Criteria: Invitae Variant Classification Sherloc (09022015). Collection method: clinical testing. Allele origin: germline.
Comment: This sequence change replaces serine, which is neutral and polar, with tryptophan, which is neutral and slightly polar, at codon 106 of the HRAS protein (p.Ser106Trp). This variant is not present in population databases (gnomAD no frequency). This variant has not been reported in the literature in individuals affected with HRAS-related conditions. ClinVar contains an entry for this variant (Variation ID: 180850). Advanced modeling of protein sequence and biophysical properties (such as structural, functional, and spatial information, amino acid conservation, physicochemical variation, residue mobility, and thermodynamic stability) performed at Invitae indicates that this missense variant is not expected to disrupt HRAS protein function with a negative predictive value of 95%. In summary, the available evidence is currently insufficient to determine the role of this variant in disease. Therefore, it has been classified as a Variant of Uncertain Significance.

Ambry Genetics
Classification: Uncertain significance for Cardiovascular phenotype. Last evaluated: 2022-02-02. Review status: criteria provided, single submitter. Criteria: Ambry Variant Classification Scheme 2023. Collection method: clinical testing. Allele origin: germline.
Comment: The p.S106W variant (also known as c.317C>G), located in coding exon 3 of the HRAS gene, results from a C to G substitution at nucleotide position 317. The serine at codon 106 is replaced by tryptophan, an amino acid with highly dissimilar properties. This amino acid position is conserved. In addition, the in silico prediction for this alteration is inconclusive. Since supporting evidence is limited at this time, the clinical significance of this alteration remains unclear.

GeneDx
Classification: Uncertain significance. Last evaluated: 2014-07-29. Review status: criteria provided, single submitter. Criteria: GeneDx Variant Classification (06012015). Collection method: clinical testing. Allele origin: germline. Affected: yes.
Comment: p.Ser106Trp (TCG>TGG): c.317 C>G in exon 4 of the HRAS gene (NM_005343.2). The S106W variant has not been published as a mutation, nor has it been reported as a benign polymorphism to our knowledge. Mutations in the HRAS gene are associated with Noonan spectrum disorders, including Costello syndrome. Noonan syndrome is a developmental disorder characterized by short stature, dysmorphic facial features, cardiac defects and developmental delay (Tartaglia M et al., 2002; Allanson J et al., 2011). In addition to features of Noonan syndrome, individuals with Costello syndrome typically have musculoskeletal abnormalities and tumor predisposition (Gripp K and Lin A, 2012). Hypertrophic cardiomyopathy (HCM) and arrhythmia have been reported in individuals with Costello syndrome, however the percentage of individuals with HCM and/or arrhythmia is currently unknown. The S106W variant was not observed in approximately 6,500 individuals of European and African American ancestry in the NHLBI Exome Sequencing Project, indicating it is not a common benign variant in these populations. The S106W variant is a non-conservative amino acid substitution, which is likely to impact secondary protein structure as these residues differ in polarity, charge, size and/or other properties and this substitution occurs at a position that is conserved across species. Additionally, in silico analysis predicts this variant is probably damaging to the protein structure/function. However, no missense mutations in nearby residues have been reported indicating this region of the protein may be tolerant of change. Therefore, based on the currently available information, it is unclear whether this variant is a pathogenic mutation or a rare benign variant. The variant is found in CARDIOMYOPATHY panel(s).